The following is an entry in ClinVar:

ClinVar aggregate classification (germline): Uncertain significance (1 of 4 stars; one submission).

Conditions:
Immunodeficiency 28 (IMD28). Also called: IFNGR2 DEFICIENCY. Identifiers: Orphanet 319547, Orphanet 319574, MedGen C4013947, MONDO:0013953, OMIM 614889.

Allele frequency attached by ClinVar (database versions not stated): gnomAD exomes 0.00001; ExAC 0.00002; gnomAD 0.00003; TOPMed 0.00004.

Submission:

Labcorp Genetics (formerly Invitae), Labcorp
Classification: Uncertain significance for Immunodeficiency 28. Last evaluated: 2022-06-27. Review status: criteria provided, single submitter. Criteria: Invitae Variant Classification Sherloc (09022015). Collection method: clinical testing. Allele origin: germline.
Comment: Algorithms developed to predict the effect of missense changes on protein structure and function output the following: SIFT: "Tolerated"; PolyPhen-2: "Benign"; Align-GVGD: "Class C0". The histidine amino acid residue is found in multiple mammalian species, which suggests that this missense change does not adversely affect protein function. In summary, the available evidence is currently insufficient to determine the role of this variant in disease. Therefore, it has been classified as a Variant of Uncertain Significance. ClinVar contains an entry for this variant (Variation ID: 1022655). This variant has not been reported in the literature in individuals affected with IFNGR2-related conditions. This variant is present in population databases (rs755959582, gnomAD 0.008%). This sequence change replaces arginine, which is basic and polar, with histidine, which is basic and polar, at codon 39 of the IFNGR2 protein (p.Arg39His).

NM_005534.4(IFNGR2):c.116G>A (p.Arg39His)

Gene: IFNGR2 (interferon gamma receptor 2; plus strand). Cytogenetic location: 21q22.11.
Variant type: single nucleotide variant.
Coding change: c.116G>A on transcript NM_005534.4 (MANE Select); coding-DNA position 116, G replaced by A.
Protein change: p.Arg39His; replaces arginine 39 with histidine.
Molecular consequence: missense variant.
Genome position (GRCh38, 1-based): chr21:33,414,930, G>A. VCF-style: chr21-33414930-G-A. GRCh37 (hg19) VCF-style: chr21-34787237-G-A.
Other names: c.173G>A, p.Arg58His (NM_001329128.2); short protein forms R39H, R58H.
Identifiers: ClinVar variation 1022655 (VCV001022655.8), dbSNP rs755959582, ClinGen allele CA10006866.